The following is an entry in ClinVar:

ClinVar aggregate classification (germline): Pathogenic (1 of 4 stars; one submission).

Conditions:
Nemaline myopathy 2 (NEM2). Also called: Nemaline myopathy 2, autosomal recessive. Identifiers: MedGen C1850569, MONDO:0009725, OMIM 256030.

Submission:

Labcorp Genetics (formerly Invitae), Labcorp
Classification: Pathogenic for Nemaline myopathy 2. Last evaluated: 2023-08-31. Review status: criteria provided, single submitter. Criteria: Invitae Variant Classification Sherloc (09022015). Collection method: clinical testing. Allele origin: germline.
Comment: For these reasons, this variant has been classified as Pathogenic. Algorithms developed to predict the effect of sequence changes on RNA splicing suggest that this variant may create or strengthen a splice site. This variant has not been reported in the literature in individuals affected with NEB-related conditions. This variant is not present in population databases (gnomAD no frequency). This sequence change creates a premature translational stop signal (p.Ser8258Lysfs*25) in the NEB gene. It is expected to result in an absent or disrupted protein product. Loss-of-function variants in NEB are known to be pathogenic (PMID: 25205138).

Literature cited by the submitters: PubMed 25205138.

NM_001164508.2(NEB):c.24667dup (p.Ser8223fs)

Genes: NEB (nebulin; minus strand), RIF1 (replication timing regulatory factor 1; plus strand). Cytogenetic location: 2q23.3.
Variant type: Duplication.
Coding change: c.24667dup on transcript NM_001164508.2 (MANE Select); coding-DNA position 24667, one base duplicated (A; older notation c.24667dupA).
Protein change: p.Ser8223fs; shifts the reading frame from serine 8223.
Molecular consequence: frameshift variant.
Genome position (GRCh38, 1-based): chr2:151,493,780, T duplicated on the plus strand (A on the coding strand, the reverse complement: NEB is on the minus strand). VCF-style (leftmost placement, unchanged base first): chr2-151493779-C-CT. GRCh37 (hg19) VCF-style: chr2-152350293-C-CT.
Other names: c.24667dup, p.Ser8223fs (NM_001164507.2); c.24772dup, p.Ser8258fs (NM_001271208.2); c.19099dup, p.Ser6367fs (NM_004543.5); short protein forms S8258fs, S8223fs, S6367fs.
Identifiers: ClinVar variation 2756935 (VCV002756935.3), dbSNP rs2551731434, ClinGen allele CA2697551073.